The following is an entry in ClinVar:

ClinVar aggregate classification (germline): Uncertain significance. Review status: criteria provided, multiple submitters, no conflicts (2 of 4 stars). 2 submissions from 2 submitters: Uncertain significance (2). Last evaluated 2025-08-01.

Conditions:
Hypertrophic cardiomyopathy. Also called: HYPERTROPHIC MYOCARDIOPATHY. Identifiers: Orphanet 217569, MedGen C0007194, MeSH D002312, MONDO:0005045, HP:0001639.
Primary dilated cardiomyopathy (DCM). Also called: Dilated Cardiomyopathy. Identifiers: Orphanet 217604, MedGen C0007193, MeSH D002311, MONDO:0005021, HP:0001644. Inheritance: Various modes of inheritance.

Submissions (2):

Ambry Genetics
Classification: Uncertain significance. Last evaluated: 2025-08-01. Review status: criteria provided, single submitter. Criteria: Ambry Variant Classification Scheme 2023. Collection method: clinical testing. Allele origin: germline.

Labcorp Genetics (formerly Invitae), Labcorp
Classification: Uncertain significance for Hypertrophic cardiomyopathy; Primary dilated cardiomyopathy. Last evaluated: 2023-05-23. Review status: criteria provided, single submitter. Criteria: Invitae Variant Classification Sherloc (09022015). Collection method: clinical testing. Allele origin: germline.
Comment: This sequence change replaces proline, which is neutral and non-polar, with leucine, which is neutral and non-polar, at codon 90 of the PDLIM3 protein (p.Pro90Leu). This variant is not present in population databases (gnomAD no frequency). This variant has not been reported in the literature in individuals affected with PDLIM3-related conditions. ClinVar contains an entry for this variant (Variation ID: 2196185). Advanced modeling of protein sequence and biophysical properties (such as structural, functional, and spatial information, amino acid conservation, physicochemical variation, residue mobility, and thermodynamic stability) has been performed at Invitae for this missense variant, however the output from this modeling did not meet the statistical confidence thresholds required to predict the impact of this variant on PDLIM3 protein function. In summary, the available evidence is currently insufficient to determine the role of this variant in disease. Therefore, it has been classified as a Variant of Uncertain Significance.

NM_014476.6(PDLIM3):c.269C>T (p.Pro90Leu)

Gene: PDLIM3 (PDZ and LIM domain 3; minus strand). Cytogenetic location: 4q35.1.
Variant type: single nucleotide variant.
Coding change: c.269C>T on transcript NM_014476.6 (MANE Select); coding-DNA position 269, C replaced by T.
Protein change: p.Pro90Leu; replaces proline 90 with leucine.
Molecular consequence: missense variant. On other transcripts: non-coding transcript variant (1), intron variant (1).
Genome position (GRCh38, 1-based): chr4:185,523,423, G>A on the plus strand (C>T on the coding strand, the complement: PDLIM3 is on the minus strand). VCF-style: chr4-185523423-G-A. GRCh37 (hg19) VCF-style: chr4-186444577-G-A.
Other names: c.269C>T, p.Pro90Leu (NM_001114107.5, NM_001257962.2); c.94-9086C>T (NM_001257963.2); c.269C>T (NM_014476.4); short protein forms P90L.
Identifiers: ClinVar variation 2196185 (VCV002196185.7), dbSNP rs2478417037, ClinGen allele CA358927497.